The following is an entry in ClinVar:

ClinVar aggregate classification (germline): Uncertain significance. Review status: reviewed by expert panel (3 of 4 stars). 15 submissions from 15 submitters: Uncertain significance (1). 14 of the submissions do not count toward it. Last evaluated 2026-07-06.

Conditions:
GAA-related disorder. Also called: GAA-related condition.
Cardiovascular phenotype. Identifiers: MedGen CN230736.
Glycogen storage disease, type II (IOPD). Also called: POMPE DISEASE, INFANTILE-ONSET; GLYCOGEN STORAGE DISEASE II, INFANTILE-ONSET; ACID ALPHA-GLUCOSIDASE DEFICIENCY, INFANTILE-ONSET; GAA DEFICIENCY, INFANTILE-ONSET; ACID MALTASE DEFICIENCY, INFANTILE-ONSET; Glucosidase acid-1,4-alpha deficiency. Identifiers: Orphanet 365, MedGen C0017921, MONDO:0009290, OMIM 232300.

Allele frequency attached by ClinVar (database versions not stated): 1000 Genomes Project 30x 0.00016; gnomAD exomes 0.00030 and 0.00044; ExAC 0.00037; ESP Exome Variant Server 0.00038; gnomAD 0.00056 and 0.00058; TOPMed 0.00069.
gnomAD v4.1: 530 of 1,612,508 alleles (0.033%); highest among the groups gnomAD compares: Admixed American, 0.16%; 1 homozygote.

Submissions (15):

ClinGen Lysosomal Storage Disorder Variant Curation Expert Panel
Classification: Uncertain significance for Glycogen storage disease, type II. Last evaluated: 2026-07-06. Review status: reviewed by expert panel. Criteria: clingen_lsd_acmg_specifications_v2-1. Collection method: curation. Allele origin: germline. Inheritance: Autosomal recessive inheritance.
Comment: The NM_000152.5: c.2417C>T variant in GAA is a missense variant predicted to cause substitution of threonine by methionine at amino acid 806 (p.Thr806Met). The variant was reported to be identified on 5 alleles in a cohort of 2372 individuals with limb girdle muscular dystrophy undergoing NGS panel sequencing (PMID: 39678382). One of those individuals, from Russia, is reported to have Pompe disease (Supplemental Table 4) and to be heterozygous for the variant; however, the full genotype and clinical information were not provided (insufficient evidence to apply PP4 or PM3). The highest population minor allele frequency in gnomAD v4.1.0. is 0.00155 (93/59992 alleles) in the Admixed American population, which is higher than the ClinGen LD VCEP's threshold (<0.001) for PM2_Supporting and lower than the threshold for BS1 (>0.005), and therefore none of the populations codes are met. The computational predictor REVEL gives a score of 0.435 which is below the threshold of 0.5, evidence that does not predict a damaging effect on GAA function. No impact on splicing is predicted by SpliceAI (BP4). There is a ClinVar entry for this variant (Variation ID: 252467). In summary, this variant meets the criteria to be classified as a variant of uncertain significance for Pompe disease due to insufficient evidence. GAA-specific ACMG/AMP criteria applied, as specified by the ClinGen Lysosomal Diseases VCEP (Specifications Version 2.0): BP4. (Classification approved by the ClinGen Lysosomal Diseases VCEP on July 30, 2025).

Genomenon, Inc
Classification: Uncertain significance for Glycogen storage disease, type II. Last evaluated: 2026-07-01. Review status: criteria provided, single submitter. Criteria: Genomenon Sequence Variant Interpretation Standards - Updated. Collection method: curation. Allele origin: germline. Affected: no. Not counted in ClinVar's aggregate classification.
Comment: GAA p.Thr806Met (c.2417C>T) is a missense variant that changes the amino acid at codon 806 from Threonine to Methionine. This variant has been reported in the published literature (PMID:39678382). In silico models predict that this variant is not damaging. In conclusion, we classify GAA p.Thr806Met (c.2417C>T) as a variant of uncertain significance.

Labcorp Genetics (formerly Invitae), Labcorp
Classification: Likely benign for Glycogen storage disease, type II. Last evaluated: 2026-02-04. Review status: criteria provided, single submitter. Criteria: Invitae Variant Classification Sherloc (09022015). Collection method: clinical testing. Allele origin: germline. Not counted in ClinVar's aggregate classification.

Mayo Clinic Laboratories, Mayo Clinic
Classification: Uncertain significance. Last evaluated: 2025-10-22. Review status: criteria provided, single submitter. Criteria: ACMG Guidelines, 2015. Collection method: clinical testing. Allele origin: germline. Observed: 1 variant allele. Not counted in ClinVar's aggregate classification.

GeneDx
Classification: Uncertain significance. Last evaluated: 2025-09-24. Review status: criteria provided, single submitter. Criteria: GeneDx Variant Classification Process June 2021. Collection method: clinical testing. Allele origin: germline. Affected: yes. Not counted in ClinVar's aggregate classification.
Comment: Reported previously as part of a thesis project of genetic variation identified among healthy Armenian individuals through exome sequencing (Akopyan, 2019); In silico analysis suggests that this missense variant does not alter protein structure/function; This variant is associated with the following publications: (PMID: 22253258, 19343043, 39678382)

Revvity Omics, Revvity
Classification: Uncertain significance. Last evaluated: 2025-05-12. Review status: criteria provided, single submitter. Criteria: ACMG Guidelines, 2015. Collection method: clinical testing. Allele origin: germline. Not counted in ClinVar's aggregate classification.

PreventionGenetics, part of Exact Sciences
Classification: Uncertain significance for GAA-related condition. Last evaluated: 2025-02-11. Review status: criteria provided, single submitter. Criteria: ACMG Guidelines, 2015. Collection method: clinical testing. Allele origin: germline. Not counted in ClinVar's aggregate classification.
Comment: The GAA c.2417C>T variant is predicted to result in the amino acid substitution p.Thr806Met. To our knowledge, this variant has not been reported in the literature. This variant is reported in 0.12% of alleles in individuals of Latino descent in gnomAD. Although we suspect that this variant may be benign, at this time, the clinical significance of this variant is uncertain due to the absence of conclusive functional and genetic evidence.

Blueprint Genetics
Classification: Likely benign. Last evaluated: 2024-11-22. Review status: criteria provided, single submitter. Criteria: ACMG Guidelines, 2015. Collection method: clinical testing. Allele origin: germline. Not counted in ClinVar's aggregate classification.

ARUP Laboratories, Molecular Genetics and Genomics, ARUP Laboratories
Classification: Uncertain significance for Glycogen storage disease, type II. Last evaluated: 2024-03-01. Review status: criteria provided, single submitter. Criteria: ARUP Molecular Germline Variant Investigation Process 2024. Collection method: clinical testing. Allele origin: germline. Not counted in ClinVar's aggregate classification.
Comment: The GAA c.2417C>T; p.Thr806Met variant (rs139850074), to our knowledge, is not reported in the medical literature but is reported in ClinVar (Variation ID: 252467). This variant is found in the Admixed Amerian population with an allele frequency of 0.12% (42/35,310 alleles) in the Genome Aggregation Database (v2.1.1). Computational analyses predict that this variant is neutral (REVEL: 0.435). Due to limited information, the clinical significance of this variant is uncertain at this time.

Ambry Genetics
Classification: Uncertain significance for Cardiovascular phenotype. Last evaluated: 2023-07-05. Review status: criteria provided, single submitter. Criteria: Ambry Variant Classification Scheme 2023. Collection method: clinical testing. Allele origin: germline. Not counted in ClinVar's aggregate classification.
Comment: The p.T806M variant (also known as c.2417C>T), located in coding exon 16 of the GAA gene, results from a C to T substitution at nucleotide position 2417. The threonine at codon 806 is replaced by methionine, an amino acid with similar properties. This amino acid position is not well conserved in available vertebrate species. In addition, the in silico prediction for this alteration is inconclusive. Since supporting evidence is limited at this time, the clinical significance of this alteration remains unclear.

Genome-Nilou Lab
Classification: Uncertain significance for Glycogen storage disease, type II. Last evaluated: 2021-07-22. Review status: criteria provided, single submitter. Criteria: ACMG Guidelines, 2015. Collection method: clinical testing. Allele origin: germline. Affected: no. Not counted in ClinVar's aggregate classification.

CeGaT Center for Human Genetics Tuebingen
Classification: Likely benign. Last evaluated: 2020-10-01. Review status: criteria provided, single submitter. Criteria: CeGaT Center For Human Genetics Tuebingen Variant Classification Criteria Version 2. Collection method: clinical testing. Allele origin: germline. Affected: yes. Observed: 2 variant alleles. Not counted in ClinVar's aggregate classification.

Eurofins Ntd Llc (ga)
Classification: Uncertain significance. Last evaluated: 2016-01-23. Review status: criteria provided, single submitter. Criteria: EGL Classification Definitions 2015. Collection method: clinical testing. Allele origin: germline. Observed: 4 variant alleles, 4 heterozygotes. Not counted in ClinVar's aggregate classification.

Genomic Diagnostic Laboratory, Division of Genomic Diagnostics, Children's Hospital of Philadelphia
Classification: Uncertain significance. Last evaluated: 2015-10-16. Review status: criteria provided, single submitter. Criteria: DGD Variant Analysis Guidelines. Collection method: clinical testing. Allele origin: unknown. Not counted in ClinVar's aggregate classification.

Natera, Inc.
Classification: Uncertain significance for Glycogen storage disease type II. Last evaluated: 2020-01-17. Review status: no assertion criteria provided. Collection method: clinical testing. Allele origin: germline. Not counted in ClinVar's aggregate classification.

Literature cited by the submitters: PubMed 39678382 (cited by Genomenon, Inc).

NM_000152.5(GAA):c.2417C>T (p.Thr806Met)

Gene: GAA (alpha glucosidase; plus strand). Cytogenetic location: 17q25.3.
Variant type: single nucleotide variant.
Coding change: c.2417C>T on transcript NM_000152.5 (MANE Select); coding-DNA position 2417, C replaced by T.
Protein change: p.Thr806Met; replaces threonine 806 with methionine.
Molecular consequence: missense variant.
Genome position (GRCh38, 1-based): chr17:80,117,685, C>T. VCF-style: chr17-80117685-C-T. GRCh37 (hg19) VCF-style: chr17-78091484-C-T.
Other names: NM_000152.5(GAA):c.2417C>T; p.Thr806Met; c.2417C>T (LRG_673t1, NM_000152.4); c.2417C>T, p.Thr806Met (NM_001079803.3, NM_001079804.3); short protein forms T806M.
Identifiers: ClinVar variation 252467 (VCV000252467.72), dbSNP rs139850074, ClinGen allele CA8815734.